The following is an entry in ClinVar:

ClinVar aggregate classification (germline): Benign/Likely benign. Review status: criteria provided, multiple submitters, no conflicts (2 of 4 stars). 12 submissions from 12 submitters: Benign (1); Likely benign (6). 5 of the submissions do not count toward it. Last evaluated 2026-02-02.

Conditions:
FG syndrome 1 (OKS). Also called: FG Syndrome Type 1 (FGS1); OPITZ-KAVEGGIA SYNDROME; KELLER SYNDROME; MENTAL RETARDATION, LARGE HEAD, IMPERFORATE ANUS, CONGENITAL HYPOTONIA, AND PARTIAL AGENESIS OF CORPUS CALLOSUM. Identifiers: Orphanet 93932, MedGen C5399762, MONDO:0010590, OMIM 305450.
Blepharophimosis - intellectual disability syndrome, MKB type. Also called: Ohdo syndrome, X-linked; BLEPHAROPHIMOSIS-MENTAL RETARDATION SYNDROME, MAAT-KIEVIT-BRUNNER TYPE; X-Linked Ohdo Syndrome (XLOS). Identifiers: Orphanet 293707, MedGen C3698541, MONDO:0010477, OMIM 300895.
X-linked intellectual disability with marfanoid habitus. Also called: Lujan Syndrome (LS); X-linked mental retardation with marfanoid habitus syndrome; INTELLECTUAL DEVELOPMENTAL DISORDER, X-LINKED, SYNDROMIC, LUJAN-FRYNS TYPE; Lujan Syndrome. Identifiers: Orphanet 776, MedGen C0796022, MONDO:0010655, OMIM 309520.
Cholestasis-pigmentary retinopathy-cleft palate syndrome (HDKR). Also called: Hardikar Syndrome (HS). Identifiers: Orphanet 1415, MedGen C0795969, MeSH C535632, MONDO:0012997, OMIM 301068.
FG syndrome (FGS). Identifiers: MedGen C0220769, MONDO:0002010.
MED12-Related Disorders. Also called: MED12-related condition; MED12-related disorder. Identifiers: MedGen CN381102.
Familial thoracic aortic aneurysm and aortic dissection (TAAD). Also called: Thoracic aortic aneurysms and dissections. Identifiers: Orphanet 91387, MedGen C4707243, MONDO:0019625.

Allele frequency attached by ClinVar (database versions not stated): gnomAD exomes 0.00010 and 0.00025; TOPMed 0.00011; ExAC 0.00012; gnomAD 0.00018; 1000 Genomes Project 30x 0.00021; 1000 Genomes Project 0.00026.
gnomAD v4.1: 287 of 1,208,275 alleles (0.024%); highest among the groups gnomAD compares: East Asian, 0.042%; no homozygotes.

Submissions (12):

Labcorp Genetics (formerly Invitae), Labcorp
Classification: Likely benign for FG syndrome. Last evaluated: 2026-02-02. Review status: criteria provided, single submitter. Criteria: Invitae Variant Classification Sherloc (09022015). Collection method: clinical testing. Allele origin: germline.

CeGaT Center for Human Genetics Tuebingen
Classification: Likely benign. Last evaluated: 2026-02-01. Review status: criteria provided, single submitter. Criteria: CeGaT Center For Human Genetics Tuebingen Variant Classification Criteria Version 2. Collection method: clinical testing. Allele origin: germline. Affected: yes. Observed: 2 variant alleles.
Comment: MED12: PP2, BP4, BS2

Laboratory of Genetics, Children's Clinical University Hospital Latvia
Classification: Benign. Last evaluated: 2025-02-16. Review status: criteria provided, single submitter. Criteria: ACMG Guidelines, 2015. Collection method: clinical testing. Allele origin: germline. Affected: yes.

Blueprint Genetics
Classification: Likely benign. Last evaluated: 2024-11-18. Review status: criteria provided, single submitter. Criteria: ACMG Guidelines, 2015. Collection method: clinical testing. Allele origin: germline.

Ambry Genetics
Classification: Likely benign for Familial thoracic aortic aneurysm and aortic dissection. Last evaluated: 2022-08-25. Review status: criteria provided, single submitter. Criteria: Ambry Variant Classification Scheme 2023. Collection method: clinical testing. Allele origin: germline.

Fulgent Genetics
Classification: Likely benign for Blepharophimosis - intellectual disability syndrome, MKB type; Cholestasis-pigmentary retinopathy-cleft palate syndrome; FG syndrome 1; X-linked intellectual disability with marfanoid habitus. Last evaluated: 2021-12-20. Review status: criteria provided, single submitter. Criteria: ACMG Guidelines, 2015. Collection method: clinical testing. Allele origin: unknown.

GeneDx
Classification: Likely benign. Last evaluated: 2021-06-23. Review status: criteria provided, single submitter. Criteria: GeneDx Variant Classification Process June 2021. Collection method: clinical testing. Allele origin: germline. Affected: yes.
Comment: This variant is associated with the following publications: (PMID: 30006928)

PreventionGenetics, part of Exact Sciences
Classification: Likely benign for MED12-related condition. Last evaluated: 2022-07-15. Review status: no assertion criteria provided. Collection method: clinical testing. Allele origin: germline. Not counted in ClinVar's aggregate classification.
Comment: This variant is classified as likely benign based on ACMG/AMP sequence variant interpretation guidelines (Richards et al. 2015 PMID: 25741868, with internal and published modifications).

ITMI
No classification provided. Condition: AllHighlyPenetrant. Last evaluated: 2013-09-19. Review status: no classification provided. Collection method: reference population. Allele origin: germline. Not counted in ClinVar's aggregate classification.
Comment: Please see associated publication for description of ethnicities

Clinical Genetics DNA and cytogenetics Diagnostics Lab, Erasmus MC, Erasmus Medical Center
Classification: Likely benign. Review status: no assertion criteria provided. Collection method: clinical testing. Allele origin: germline. Affected: yes. Study: VKGL Data-share Consensus. Not counted in ClinVar's aggregate classification.

GeneReviews
No classification provided. Condition: FG syndrome. Review status: no classification provided. Collection method: literature only. Allele origin: germline. Not counted in ClinVar's aggregate classification.

Joint Genome Diagnostic Labs from Nijmegen and Maastricht, Radboudumc and MUMC+
Classification: Likely benign. Review status: no assertion criteria provided. Collection method: clinical testing. Allele origin: germline. Affected: yes. Study: VKGL Data-share Consensus. Not counted in ClinVar's aggregate classification.

Literature cited by the submitters: PubMed 24728327 (cited by Ambry Genetics and ITMI); PubMed 30006928 (cited by Ambry Genetics and GeneReviews); PubMed 33244166 (cited by Ambry Genetics); PubMed 20301719 (cited by GeneReviews).

NM_005120.3(MED12):c.4111C>T (p.Pro1371Ser)

Gene: MED12 (mediator complex subunit 12; plus strand). Cytogenetic location: Xq13.1.
Variant type: single nucleotide variant.
Coding change: c.4111C>T on transcript NM_005120.3 (MANE Select); coding-DNA position 4111, C replaced by T.
Protein change: p.Pro1371Ser; replaces proline 1371 with serine.
Molecular consequence: missense variant.
Genome position (GRCh38, 1-based): chrX:71,131,613, C>T. VCF-style: chrX-71131613-C-T. GRCh37 (hg19) VCF-style: chrX-70351463-C-T.
Other names: short protein forms P1371S.
Identifiers: ClinVar variation 134636 (VCV000134636.54), dbSNP rs587778437, ClinGen allele CA160389.